The following is an entry in ClinVar:

NM_004984.4(KIF5A):c.455C>G (p.Thr152Arg)

Gene: KIF5A (kinesin family member 5A; plus strand). Cytogenetic location: 12q13.3.
Variant type: single nucleotide variant.
Coding change: c.455C>G on transcript NM_004984.4 (MANE Select); coding-DNA position 455, C replaced by G.
Protein change: p.Thr152Arg; replaces threonine 152 with arginine.
Molecular consequence: missense variant.
Genome position (GRCh38, 1-based): chr12:57,564,927, C>G. VCF-style: chr12-57564927-C-G. GRCh37 (hg19) VCF-style: chr12-57958710-C-G.
Other names: c.188C>G, p.Thr63Arg (NM_001354705.2); short protein forms T152R, T63R.
Identifiers: ClinVar variation 4803043 (VCV004803043.1).

ClinVar aggregate classification (germline): Uncertain significance (1 of 4 stars; one submission).

Conditions:
Spastic paraplegia. Identifiers: MedGen C0037772, HP:0001258.

Submission:

Labcorp Genetics (formerly Invitae), Labcorp
Classification: Uncertain significance for Spastic paraplegia. Last evaluated: 2025-10-20. Review status: criteria provided, single submitter. Criteria: Invitae Variant Classification Sherloc (09022015). Collection method: clinical testing. Allele origin: germline.
Comment: This sequence change replaces threonine, which is neutral and polar, with arginine, which is basic and polar, at codon 152 of the KIF5A protein (p.Thr152Arg). This variant is not present in population databases (gnomAD no frequency). This variant has not been reported in the literature in individuals affected with KIF5A-related conditions. Invitae Evidence Modeling of protein sequence and biophysical properties (such as structural, functional, and spatial information, amino acid conservation, physicochemical variation, residue mobility, and thermodynamic stability) has been performed for this missense variant. However, the output from this modeling did not meet the statistical confidence thresholds required to predict the impact of this variant on KIF5A protein function. In summary, the available evidence is currently insufficient to determine the role of this variant in disease. Therefore, it has been classified as a Variant of Uncertain Significance.